The following is an entry in ClinVar:

NM_000551.4(VHL):c.344A>C (p.His115Pro)

Genes: VHL (von Hippel-Lindau tumor suppressor; plus strand), LOC107303340 (3p25 von Hippel-Lindau tumor suppressor, E3 ubiquitin protein ligase Alu-mediated recombination region; plus strand). Cytogenetic location: 3p25.3.
Variant type: single nucleotide variant.
Coding change: c.344A>C on transcript NM_000551.4 (MANE Select); coding-DNA position 344, A replaced by C.
Protein change: p.His115Pro; replaces histidine 115 with proline.
Molecular consequence: missense variant. On other transcripts: intron variant (2).
Genome position (GRCh38, 1-based): chr3:10,146,517, A>C. VCF-style: chr3-10146517-A-C. GRCh37 (hg19) VCF-style: chr3-10188201-A-C.
Other names: c.*18-3270A>C (NM_001354723.2); c.341-3270A>C (NM_198156.3); short protein forms H115P.
Identifiers: ClinVar variation 560744 (VCV000560744.5), dbSNP rs5030812, ClinGen allele CA351753626.
Genomic context (GRCh38, chr3:10,146,517, plus strand): 5'-GGCCACCGTGCCCAGCCACCGGTGTGGCTCTTTAACAACCTTTGCTTGTCCCGATAGGTC[A>C]CCTTTGGCTCTTCAGAGATGCAGGGACACACGATGGGCTTCTGGTTAACCAAACTGAATT-3'
Protein context (NP_000542.1, residues 105-125): TGRRIHSYRG[His115Pro]LWLFRDAGTH

ClinVar aggregate classification (germline): Pathogenic/Likely pathogenic. Review status: criteria provided, multiple submitters, no conflicts (2 of 4 stars). 2 submissions from 2 submitters: Pathogenic (1); Likely pathogenic (1). Last evaluated 2026-05-15.

Conditions:
Hereditary cancer-predisposing syndrome. Also called: Tumor predisposition; Hereditary Cancer Syndrome; Neoplastic Syndromes, Hereditary; Hereditary neoplastic syndrome. Identifiers: Orphanet 140162, MedGen C0027672, MeSH D009386, MONDO:0015356.

Submissions (2):

Ambry Genetics
Classification: Pathogenic for Hereditary cancer-predisposing syndrome. Last evaluated: 2026-05-15. Review status: criteria provided, single submitter. Criteria: Ambry Variant Classification Scheme 2023. Collection method: clinical testing. Allele origin: germline.
Comment: The p.H115P pathogenic mutation (also known as c.344A>C), located in coding exon 2 of the VHL gene, results from an A to C substitution at nucleotide position 344. The histidine at codon 115 is replaced by proline, an amino acid with similar properties. This variant was reported in individual(s) with features consistent with von Hippel-Lindau syndrome (Ong KR et al. Hum Mutat, 2007 Feb;28:143-9; Ambry internal data). This variant was determined to be functionally deleterious in one saturation genome editing assay (Buckley M et al. Nat Genet, 2024 Jul;56:1446-1455). Based on internal structural analysis, this variant is more disruptive than known pathogenic variants at the same codon (Ambry internal data). This amino acid position is highly conserved in available vertebrate species. In addition, this alteration is predicted to be deleterious by in silico analysis. This variant is considered to be rare based on population cohorts in the Genome Aggregation Database (gnomAD). Based on the supporting evidence, this variant is interpreted as a disease-causing mutation.

PreventionGenetics, part of Exact Sciences
Classification: Likely pathogenic. Last evaluated: 2015-09-16. Review status: criteria provided, single submitter. Criteria: ACMG Guidelines, 2015. Collection method: clinical testing. Allele origin: germline.

Literature cited by the submitters: PubMed 17024664 (cited by Ambry Genetics); PubMed 38969834 (cited by Ambry Genetics).